The following is an entry in ClinVar:

NM_000388.4(CASR):c.-154T>A

Gene: CASR (calcium sensing receptor; plus strand). Cytogenetic location: 3q21.1.
Variant type: single nucleotide variant.
Coding change: c.-154T>A on transcript NM_000388.4 (MANE Select); 154 bases upstream of the start codon, T replaced by A.
Molecular consequence: 5 prime UTR variant.
Genome position (GRCh38, 1-based): chr3:122,254,036, T>A. VCF-style: chr3-122254036-T-A. GRCh37 (hg19) VCF-style: chr3-121972883-T-A.
Other names: c.-154T>A (NM_001178065.2).
Identifiers: ClinVar variation 342792 (VCV000342792.5), dbSNP rs186365367, ClinGen allele CA10616994.

ClinVar aggregate classification (germline): Conflicting classifications of pathogenicity. Review status: criteria provided, conflicting classifications (1 of 4 stars). 4 submissions from 1 submitter: Uncertain significance (3); Benign (1). Last evaluated 2018-01-12.

Conditions:
Familial hypocalciuric hypercalcemia 1. Also called: Hypercalcemia, familial benign type 1. Identifiers: Orphanet 405, Orphanet 93372, MedGen C0342637, MONDO:0007791, OMIM 145980.
Neonatal severe primary hyperparathyroidism. Identifiers: Orphanet 417, MedGen C1832615, MONDO:0009397, OMIM 239200.
Familial hypoparathyroidism. Also called: Familial isolated hypoparathyroidism. Identifiers: Orphanet 2238, MedGen C1832648, MONDO:0016390.
Autosomal dominant hypocalcemia 1 (HYPOC1). Also called: HYPOCALCEMIA, FAMILIAL. Identifiers: MedGen C3715128, MONDO:0011013, OMIM 601198.

Allele frequency attached by ClinVar (database versions not stated): gnomAD 0.00096 and 0.00101; 1000 Genomes Project 0.00120; TOPMed 0.00120; 1000 Genomes Project 30x 0.00141.
gnomAD v4.1: 222 of 791,968 alleles (0.028%); highest among the groups gnomAD compares: African/African-American, 0.34%; no homozygotes.

Submissions (4):

Illumina Laboratory Services, Illumina
Classification: Uncertain significance for Neonatal severe primary hyperparathyroidism. Last evaluated: 2018-01-12. Review status: criteria provided, single submitter. Criteria: ICSL Variant Classification Criteria 13 December 2019. Collection method: clinical testing. Allele origin: germline.

Illumina Laboratory Services, Illumina
Classification: Benign for Familial isolated hypoparathyroidism. Last evaluated: 2018-01-12. Review status: criteria provided, single submitter. Criteria: ICSL Variant Classification Criteria 13 December 2019. Collection method: clinical testing. Allele origin: germline.
Comment: This variant was observed in the ICSL laboratory as part of a predisposition screen in an ostensibly healthy population. It had not been previously curated by ICSL or reported in the Human Gene Mutation Database (HGMD: prior to June 1st, 2018), and was therefore a candidate for classification through an automated scoring system. Utilizing variant allele frequency, disease prevalence and penetrance estimates, and inheritance mode, an automated score was calculated to assess if this variant is too frequent to cause the disease. Based on the score and internal cut-off values, a variant classified as benign is not then subjected to further curation. The score for this variant resulted in a classification of benign for this disease.

Illumina Laboratory Services, Illumina
Classification: Uncertain significance for Autosomal dominant hypocalcemia 1. Last evaluated: 2018-01-12. Review status: criteria provided, single submitter. Criteria: ICSL Variant Classification Criteria 13 December 2019. Collection method: clinical testing. Allele origin: germline.

Illumina Laboratory Services, Illumina
Classification: Uncertain significance for Familial hypocalciuric hypercalcemia 1. Last evaluated: 2018-01-12. Review status: criteria provided, single submitter. Criteria: ICSL Variant Classification Criteria 13 December 2019. Collection method: clinical testing. Allele origin: germline.